The following is an entry in ClinVar:

ClinVar aggregate classification (germline): Uncertain significance. Review status: criteria provided, multiple submitters, no conflicts (2 of 4 stars). 2 submissions from 2 submitters: Uncertain significance (2). Last evaluated 2022-12-06.

Allele frequency attached by ClinVar (database versions not stated): ExAC 0.00001; gnomAD exomes 0.00003.
gnomAD v4.1: 33 of 1,611,130 alleles (0.002%); highest among the groups gnomAD compares: Admixed American, 0.017%; no homozygotes.

Submissions (2):

Labcorp Genetics (formerly Invitae), Labcorp
Classification: Uncertain significance. Last evaluated: 2022-12-06. Review status: criteria provided, single submitter. Criteria: Invitae Variant Classification Sherloc (09022015). Collection method: clinical testing. Allele origin: germline.
Comment: This sequence change replaces proline, which is neutral and non-polar, with leucine, which is neutral and non-polar, at codon 1135 of the HSPG2 protein (p.Pro1135Leu). In summary, the available evidence is currently insufficient to determine the role of this variant in disease. Therefore, it has been classified as a Variant of Uncertain Significance. Algorithms developed to predict the effect of missense changes on protein structure and function are either unavailable or do not agree on the potential impact of this missense change (SIFT: "Deleterious"; PolyPhen-2: "Probably Damaging"; Align-GVGD: "Class C0"). ClinVar contains an entry for this variant (Variation ID: 1467298). This variant has not been reported in the literature in individuals affected with HSPG2-related conditions. This variant is present in population databases (rs746636903, gnomAD 0.01%).

Revvity Omics, Revvity
Classification: Uncertain significance. Last evaluated: 2019-10-01. Review status: criteria provided, single submitter. Criteria: ACMG Guidelines, 2015. Collection method: clinical testing. Allele origin: germline.

NM_005529.7(HSPG2):c.3404C>T (p.Pro1135Leu)

Gene: HSPG2 (heparan sulfate proteoglycan 2; minus strand). Cytogenetic location: 1p36.12.
Variant type: single nucleotide variant.
Coding change: c.3404C>T on transcript NM_005529.7 (MANE Select); coding-DNA position 3404, C replaced by T.
Protein change: p.Pro1135Leu; replaces proline 1135 with leucine.
Molecular consequence: missense variant.
Genome position (GRCh38, 1-based): chr1:21,874,901, G>A on the plus strand (C>T on the coding strand, the complement: HSPG2 is on the minus strand). VCF-style: chr1-21874901-G-A. GRCh37 (hg19) VCF-style: chr1-22201394-G-A.
Other names: c.3404C>T (NM_005529.5); c.3407C>T, p.Pro1136Leu (NM_001291860.2); short protein forms P1135L, P1136L.
Identifiers: ClinVar variation 1467298 (VCV001467298.9), dbSNP rs746636903, ClinGen allele CA672664.